The following is an entry in ClinVar:

NM_030928.4(CDT1):c.1339C>T (p.Arg447Trp)

Gene: CDT1 (chromatin licensing and DNA replication factor 1; plus strand). Cytogenetic location: 16q24.3.
Variant type: single nucleotide variant.
Coding change: c.1339C>T on transcript NM_030928.4 (MANE Select); coding-DNA position 1339, C replaced by T.
Protein change: p.Arg447Trp; replaces arginine 447 with tryptophan.
Molecular consequence: missense variant.
Genome position (GRCh38, 1-based): chr16:88,807,344, C>T. VCF-style: chr16-88807344-C-T. GRCh37 (hg19) VCF-style: chr16-88873752-C-T.
Other names: short protein forms R447W.
Identifiers: ClinVar variation 1372917 (VCV001372917.5), dbSNP rs755342796, ClinGen allele CA8234128.
Genomic context (GRCh38, chr16:88,807,344, plus strand): 5'-CGAGCCAAGGAGGCACAGAAGCAGCTGGCACAGATGACGCGGTGCCCGGAGCAGGAGCAG[C>T]GGCTGCAGCGCTTAGAACGGCTGCCTGAGCTGGCCCGCGTGCTGCGGAGCGTCTTTGTGT-3'
Protein context (NP_112190.2, residues 437-457): QMTRCPEQEQ[Arg447Trp]LQRLERLPEL

ClinVar aggregate classification (germline): Uncertain significance (1 of 4 stars; one submission).

Allele frequency attached by ClinVar (database versions not stated): ExAC 0.00001; gnomAD exomes 0.00001 and 0.00002; TOPMed 0.00002.
gnomAD v4.1: 24 of 1,612,530 alleles (0.0015%); highest among the groups gnomAD compares: Middle Eastern, 0.017%; no homozygotes.

Submission:

Labcorp Genetics (formerly Invitae), Labcorp
Classification: Uncertain significance. Last evaluated: 2021-09-11. Review status: criteria provided, single submitter. Criteria: Invitae Variant Classification Sherloc (09022015). Collection method: clinical testing. Allele origin: germline.
Comment: This sequence change replaces arginine with tryptophan at codon 447 of the CDT1 protein (p.Arg447Trp). The arginine residue is highly conserved and there is a moderate physicochemical difference between arginine and tryptophan. This variant is present in population databases (rs755342796, ExAC 0.006%). This variant has not been reported in the literature in individuals affected with CDT1-related conditions. Algorithms developed to predict the effect of missense changes on protein structure and function are either unavailable or do not agree on the potential impact of this missense change (SIFT: "Deleterious"; PolyPhen-2: "Probably Damaging"; Align-GVGD: "Class C0"). In summary, the available evidence is currently insufficient to determine the role of this variant in disease. Therefore, it has been classified as a Variant of Uncertain Significance.